The following is an entry in ClinVar:

NM_004369.4(COL6A3):c.705C>A (p.Ile235=)

Gene: COL6A3 (collagen type VI alpha 3 chain; minus strand). Cytogenetic location: 2q37.3.
Variant type: single nucleotide variant.
Coding change: c.705C>A on transcript NM_004369.4 (MANE Select); coding-DNA position 705, C replaced by A.
Protein change: p.Ile235=; no amino-acid change (isoleucine 235 retained).
Molecular consequence: synonymous variant. On other transcripts: intron variant (4).
Genome position (GRCh38, 1-based): chr2:237,394,591, G>T on the plus strand (C>A on the coding strand, the complement: COL6A3 is on the minus strand). VCF-style: chr2-237394591-G-T. GRCh37 (hg19) VCF-style: chr2-238303234-G-T.
Other names: c.91+2136C>A (NM_057165.5, NM_057166.5, NM_057167.4 and 1 more transcripts).
Identifiers: ClinVar variation 2975310 (VCV002975310.4), dbSNP rs993297723, ClinGen allele CA67841589.

ClinVar aggregate classification (germline): Conflicting classifications of pathogenicity. Review status: criteria provided, conflicting classifications (1 of 4 stars). 2 submissions from 2 submitters: Uncertain significance (1); Likely benign (1). Last evaluated 2024-12-12.

Conditions:
Bethlem myopathy 1A. Also called: MYOPATHY, BENIGN CONGENITAL, WITH CONTRACTURES; Bethlem myopathy 1; Bethlem Muscular Dystrophy. Identifiers: Orphanet 610, MedGen CN029274, MONDO:0024530, OMIM 158810.

Allele frequency attached by ClinVar (database versions not stated): gnomAD 0.00001; TOPMed 0.00001.
gnomAD v4.1: 1 of 1,613,888 alleles (0.000062%); highest among the groups gnomAD compares: African/African-American, 0.0013%; no homozygotes.

Submissions (2):

GeneDx
Classification: Uncertain significance. Last evaluated: 2024-12-12. Review status: criteria provided, single submitter. Criteria: GeneDx Variant Classification Process June 2021. Collection method: clinical testing. Allele origin: germline. Affected: yes.
Comment: Not observed at significant frequency in large population cohorts (gnomAD); In silico analysis indicates that this variant does not alter splicing; Has not been previously published as pathogenic or benign to our knowledge

Labcorp Genetics (formerly Invitae), Labcorp
Classification: Likely benign for Bethlem myopathy 1A. Last evaluated: 2024-10-16. Review status: criteria provided, single submitter. Criteria: Invitae Variant Classification Sherloc (09022015). Collection method: clinical testing. Allele origin: germline.